The following is an entry in ClinVar:

ClinVar aggregate classification (germline): Uncertain significance (1 of 4 stars; one submission).

gnomAD v4.1: 25 of 1,613,606 alleles (0.0015%); highest among the groups gnomAD compares: East Asian, 0.0045%; no homozygotes.

Submission:

Labcorp Genetics (formerly Invitae), Labcorp
Classification: Uncertain significance. Last evaluated: 2025-07-27. Review status: criteria provided, single submitter. Criteria: Invitae Variant Classification Sherloc (09022015). Collection method: clinical testing. Allele origin: germline.
Comment: This sequence change replaces aspartic acid, which is acidic and polar, with asparagine, which is neutral and polar, at codon 1202 of the SIPA1L3 protein (p.Asp1202Asn). This variant is present in population databases (rs763818612, gnomAD 0.003%). This variant has not been reported in the literature in individuals affected with SIPA1L3-related conditions. An algorithm developed to predict the effect of missense changes on protein structure and function (PolyPhen-2) suggests that this variant is likely to be tolerated. In summary, the available evidence is currently insufficient to determine the role of this variant in disease. Therefore, it has been classified as a Variant of Uncertain Significance.

NM_015073.3(SIPA1L3):c.3604G>A (p.Asp1202Asn)

Gene: SIPA1L3 (signal induced proliferation associated 1 like 3; plus strand). Cytogenetic location: 19q13.13.
Variant type: single nucleotide variant.
Coding change: c.3604G>A on transcript NM_015073.3 (MANE Select); coding-DNA position 3604, G replaced by A.
Protein change: p.Asp1202Asn; replaces aspartic acid 1202 with asparagine.
Molecular consequence: missense variant.
Genome position (GRCh38, 1-based): chr19:38,152,910, G>A. VCF-style: chr19-38152910-G-A. GRCh37 (hg19) VCF-style: chr19-38643550-G-A.
Other names: short protein forms D1202N.
Identifiers: ClinVar variation 4751923 (VCV004751923.1).
Genomic context (GRCh38, chr19:38,152,910, plus strand): 5'-GCCCCACACCCCCTGCTATCTCTTGATCCCCACTTCAGCCACGATGGGACGTCCAGCGGC[G>A]ACTCCTCTTCCGGCGGCCTGACCAGCCAGGAGAGCACCATGGAACGCCAGAAGCCAGGTA-3'
Protein context (NP_055888.1, residues 1192-1212): HFSHDGTSSG[Asp1202Asn]SSSGGLTSQE